The following is an entry in ClinVar:

NM_000059.4(BRCA2):c.9119T>C (p.Val3040Ala)

Gene: BRCA2 (BRCA2 DNA repair associated; plus strand). Cytogenetic location: 13q13.1.
Variant type: single nucleotide variant.
Coding change: c.9119T>C on transcript NM_000059.4 (MANE Select); coding-DNA position 9119, T replaced by C.
Protein change: p.Val3040Ala; replaces valine 3040 with alanine.
Molecular consequence: missense variant.
Genome position (GRCh38, 1-based): chr13:32,380,008, T>C. VCF-style: chr13-32380008-T-C. GRCh37 (hg19) VCF-style: chr13-32954145-T-C.
Other names: short protein forms V3040A.
Identifiers: ClinVar variation 141254 (VCV000141254.16), dbSNP rs587781606, ClinGen allele CA025999.

ClinVar aggregate classification (germline): Conflicting classifications of pathogenicity. Review status: criteria provided, conflicting classifications (1 of 4 stars). 5 submissions from 5 submitters: Uncertain significance (4); Likely benign (1). Last evaluated 2024-11-06.

Conditions:
Hereditary cancer-predisposing syndrome. Also called: Neoplastic Syndromes, Hereditary; Tumor predisposition; Hereditary Cancer Syndrome; Hereditary neoplastic syndrome. Identifiers: Orphanet 140162, MedGen C0027672, MeSH D009386, MONDO:0015356.
Hereditary breast ovarian cancer syndrome. Also called: Breast and ovarian cancer; Hereditary breast and ovarian cancer; Hereditary breast and/or ovarian cancer syndrome; BRCA1- and BRCA2-Associated Hereditary Breast and Ovarian Cancer; Hereditary breast and ovarian cancer syndrome; Hereditary breast and ovarian cancer syndrome (HBOC). Identifiers: Orphanet 145, MedGen C0677776, MeSH D061325, MONDO:0003582. Disease mechanism: loss of function.
Familial cancer of breast. Also called: BREAST CANCER, FAMILIAL; Hereditary breast cancer; hereditary breast carcinoma. Identifiers: Orphanet 227535, MedGen C0346153, MONDO:0016419, OMIM 114480. Disease mechanism: loss of function.

Submissions (5):

Labcorp Genetics (formerly Invitae), Labcorp
Classification: Uncertain significance for Hereditary breast ovarian cancer syndrome. Last evaluated: 2024-11-06. Review status: criteria provided, single submitter. Criteria: Invitae Variant Classification Sherloc (09022015). Collection method: clinical testing. Allele origin: germline.
Comment: This sequence change replaces valine, which is neutral and non-polar, with alanine, which is neutral and non-polar, at codon 3040 of the BRCA2 protein (p.Val3040Ala). This variant is not present in population databases (gnomAD no frequency). This variant has not been reported in the literature in individuals affected with BRCA2-related conditions. ClinVar contains an entry for this variant (Variation ID: 141254). An algorithm developed to predict the effect of missense changes on protein structure and function outputs the following: PolyPhen-2: "Benign". The alanine amino acid residue is found in multiple mammalian species, which suggests that this missense change does not adversely affect protein function. In summary, the available evidence is currently insufficient to determine the role of this variant in disease. Therefore, it has been classified as a Variant of Uncertain Significance.

Baylor Genetics
Classification: Uncertain significance for Familial cancer of breast. Last evaluated: 2023-06-05. Review status: criteria provided, single submitter. Criteria: ACMG Guidelines, 2015. Collection method: clinical testing. Allele origin: unknown.

GeneDx
Classification: Uncertain significance. Last evaluated: 2019-05-09. Review status: criteria provided, single submitter. Criteria: GeneDx Variant Classification Process June 2021. Collection method: clinical testing. Allele origin: germline. Affected: yes.
Comment: Not observed in large population cohorts (Lek et al., 2016); In silico analysis, which includes protein predictors and evolutionary conservation, supports that this variant does not alter protein structure/function; Has not been previously published as pathogenic or benign to our knowledge

Ambry Genetics
Classification: Likely benign for Hereditary cancer-predisposing syndrome. Last evaluated: 2017-02-17. Review status: criteria provided, single submitter. Criteria: Ambry Variant Classification Scheme 2023. Collection method: clinical testing. Allele origin: germline.

Quest Diagnostics Nichols Institute San Juan Capistrano
Classification: Uncertain significance. Last evaluated: 2016-11-30. Review status: criteria provided, single submitter. Criteria: Quest Diagnostics criteria. Collection method: clinical testing. Allele origin: germline.